The following is an entry in ClinVar:

ClinVar aggregate classification (germline): Conflicting classifications of pathogenicity. Review status: criteria provided, conflicting classifications (1 of 4 stars). 13 submissions from 13 submitters: Uncertain significance (2); Benign (3); Likely benign (7). 1 of the submissions does not count toward it. Last evaluated 2026-01-25.

Conditions:
STK11-related disorder. Also called: STK11-related condition.
Hereditary cancer. Identifiers: MedGen C1333600.
Breast and/or ovarian cancer. Identifiers: MedGen CN221562.
Hereditary cancer-predisposing syndrome. Also called: Neoplastic Syndromes, Hereditary; Tumor predisposition; Hereditary neoplastic syndrome; Hereditary Cancer Syndrome. Identifiers: Orphanet 140162, MedGen C0027672, MeSH D009386, MONDO:0015356.
Peutz-Jeghers syndrome (PJS). Also called: Peutz-Jeghers polyposis; Periorificial lentiginosis syndrome; POLYPOSIS, HAMARTOMATOUS INTESTINAL; POLYPS-AND-SPOTS SYNDROME. Identifiers: Orphanet 2869, MedGen C0031269, MeSH D010580, MONDO:0008280, OMIM 175200.

Allele frequency attached by ClinVar (database versions not stated): ExAC 0.00002; gnomAD exomes 0.00002; gnomAD 0.00011 and 0.00012; TOPMed 0.00032.
gnomAD v4.1: 69 of 1,611,152 alleles (0.0043%); highest among the groups gnomAD compares: Admixed American, 0.05%; no homozygotes.

Submissions (13):

Labcorp Genetics (formerly Invitae), Labcorp
Classification: Benign for Peutz-Jeghers syndrome. Last evaluated: 2026-01-25. Review status: criteria provided, single submitter. Criteria: Invitae Variant Classification Sherloc (09022015). Collection method: clinical testing. Allele origin: germline.

Center for Genomic Medicine, Rigshospitalet, Copenhagen University Hospital
Classification: Uncertain significance. Last evaluated: 2025-12-29. Review status: criteria provided, single submitter. Criteria: ACMG Guidelines, 2015. Collection method: clinical testing. Allele origin: germline.

Women's Health and Genetics/Laboratory Corporation of America, LabCorp
Classification: Benign. Last evaluated: 2025-10-30. Review status: criteria provided, single submitter. Criteria: LabCorp Variant Classification Summary - May 2015. Collection method: clinical testing. Allele origin: germline.
Comment: Variant summary: STK11 c.1038C>T alters a conserved nucleotide resulting in a synonymous change. Several computational tools predict a significant impact on normal splicing: Five predict the variant creates a 5 donor site. However, these predictions have yet to be confirmed by functional studies. The variant allele was found at a frequency of 4.3e-05 in 1611152 control chromosomes, predominantly at a frequency of 0.0005 within the Latino subpopulation in the gnomAD database. The observed variant frequency within Latino control individuals in the gnomAD database exceeds the estimated maximal expected allele frequency for disease-causing variants in STK11. c.1038C>T has been observed in individual(s) affected with Breast or Ovariant Cancer (Guindalini_2022, Carvalho_2023) without evidence for causality. These report(s) do not provide unequivocal conclusions about association of the variant with Peutz-Jeghers Syndrome. To our knowledge, no experimental evidence demonstrating an impact on protein function has been reported. The following publications have been ascertained in the context of this evaluation (PMID: 35264596, 36977404). ClinVar contains an entry for this variant (Variation ID: 184026). Based on the evidence outlined above, the variant was classified as benign.

Quest Diagnostics Nichols Institute San Juan Capistrano
Classification: Likely benign. Last evaluated: 2025-03-17. Review status: criteria provided, single submitter. Criteria: Quest Diagnostics criteria. Collection method: clinical testing. Allele origin: unknown.

PreventionGenetics, part of Exact Sciences
Classification: Likely benign for STK11-related condition. Last evaluated: 2024-12-23. Review status: criteria provided, single submitter. Criteria: ACMG Guidelines, 2015. Collection method: clinical testing. Allele origin: germline.
Comment: This variant is classified as likely benign based on ACMG/AMP sequence variant interpretation guidelines (Richards et al. 2015 PMID: 25741868, with internal and published modifications).

Mendelics
Classification: Likely benign for Hereditary cancer. Last evaluated: 2024-01-23. Review status: criteria provided, single submitter. Criteria: ACMG Guidelines, 2015. Collection method: clinical testing. Allele origin: unknown.

Myriad Genetics, Inc.
Classification: Benign for Peutz-Jeghers syndrome. Last evaluated: 2023-04-12. Review status: criteria provided, single submitter. Criteria: Myriad Autosomal Dominant, Autosomal Recessive and X-Linked Classification Criteria (2023). Collection method: clinical testing. Allele origin: unknown.
Comment: This variant is considered benign. This variant is a silent/synonymous amino acid change and it is not expected to impact splicing.

Genome-Nilou Lab
Classification: Likely benign for Peutz-Jeghers syndrome. Last evaluated: 2021-07-15. Review status: criteria provided, single submitter. Criteria: ACMG Guidelines, 2015. Collection method: clinical testing. Allele origin: germline. Affected: no.

CHEO Genetics Diagnostic Laboratory, Children's Hospital of Eastern Ontario
Classification: Uncertain significance for Breast and/or ovarian cancer. Last evaluated: 2020-03-25. Review status: criteria provided, single submitter. Criteria: ACMG Guidelines, 2015. Collection method: clinical testing. Allele origin: germline.

GeneDx
Classification: Likely benign. Last evaluated: 2017-08-15. Review status: criteria provided, single submitter. Criteria: GeneDx Variant Classification (06012015). Collection method: clinical testing. Allele origin: germline. Affected: yes.
Comment: This variant is considered likely benign or benign based on one or more of the following criteria: it is a conservative change, it occurs at a poorly conserved position in the protein, it is predicted to be benign by multiple in silico algorithms, and/or has population frequency not consistent with disease.

Color Diagnostics, LLC DBA Color Health
Classification: Likely benign for Hereditary cancer-predisposing syndrome. Last evaluated: 2016-04-27. Review status: criteria provided, single submitter. Criteria: ACMG Guidelines, 2015. Collection method: clinical testing. Allele origin: germline.

Ambry Genetics
Classification: Likely benign for Hereditary cancer-predisposing syndrome. Last evaluated: 2015-02-09. Review status: criteria provided, single submitter. Criteria: Ambry Variant Classification Scheme 2023. Collection method: clinical testing. Allele origin: germline.

Counsyl
Classification: Likely benign for Peutz-Jeghers syndrome. Last evaluated: 2017-01-27. Review status: no assertion criteria provided. Collection method: clinical testing. Allele origin: unknown. Not counted in ClinVar's aggregate classification.

Literature cited by the submitters: PubMed 26010451 (cited by Women's Health and Genetics/Laboratory Corporation of America, LabCorp); PubMed 35264596 (cited by Women's Health and Genetics/Laboratory Corporation of America, LabCorp and Quest Diagnostics Nichols Institute San Juan Capistrano); PubMed 36977404 (cited by Women's Health and Genetics/Laboratory Corporation of America, LabCorp).

NM_000455.5(STK11):c.1038C>T (p.Gly346=)

Genes: STK11 (serine/threonine kinase 11; plus strand), LOC130062899 (ATAC-STARR-seq lymphoblastoid active region 13597; plus strand). Cytogenetic location: 19p13.3.
Variant type: single nucleotide variant.
Coding change: c.1038C>T on transcript NM_000455.5 (MANE Select); coding-DNA position 1038, C replaced by T.
Protein change: p.Gly346=; no amino-acid change (glycine 346 retained).
Molecular consequence: synonymous variant.
Genome position (GRCh38, 1-based): chr19:1,223,102, C>T. VCF-style: chr19-1223102-C-T. GRCh37 (hg19) VCF-style: chr19-1223101-C-T.
Identifiers: ClinVar variation 184026 (VCV000184026.39), dbSNP rs767565606, ClinGen allele CA022194.